The following is an entry in ClinVar:

ClinVar aggregate classification (germline): Likely benign. Review status: criteria provided, single submitter (1 of 4 stars). 2 submissions from 2 submitters: Likely benign (1). 1 of the submissions does not count toward it. Last evaluated 2023-11-17.

Conditions:
LEPR-related disorder. Also called: LEPR-related condition; LEPR-related disorders.

Allele frequency attached by ClinVar (database versions not stated): TOPMed 0.00003; gnomAD 0.00005; gnomAD exomes below 0.00001; ExAC 0.00002.
gnomAD v4.1: 14 of 1,612,922 alleles (0.00087%); highest among the groups gnomAD compares: African/African-American, 0.016%; no homozygotes.

Submissions (2):

Labcorp Genetics (formerly Invitae), Labcorp
Classification: Likely benign. Last evaluated: 2023-11-17. Review status: criteria provided, single submitter. Criteria: Invitae Variant Classification Sherloc (09022015). Collection method: clinical testing. Allele origin: germline.

PreventionGenetics, part of Exact Sciences
Classification: Uncertain significance for LEPR-related condition. Last evaluated: 2024-02-09. Review status: no assertion criteria provided. Collection method: clinical testing. Allele origin: germline. Not counted in ClinVar's aggregate classification.
Comment: The LEPR c.1298A>G variant is predicted to result in the amino acid substitution p.Asn433Ser. To our knowledge, this variant has not been reported in the literature. This variant is reported in 0.020% of alleles in individuals of African descent in gnomAD. At this time, the clinical significance of this variant is uncertain due to the absence of conclusive functional and genetic evidence.

NM_002303.6(LEPR):c.1298A>G (p.Asn433Ser)

Gene: LEPR (leptin receptor; plus strand). Cytogenetic location: 1p31.3.
Variant type: single nucleotide variant.
Coding change: c.1298A>G on transcript NM_002303.6 (MANE Select); coding-DNA position 1298, A replaced by G.
Protein change: p.Asn433Ser; replaces asparagine 433 with serine.
Molecular consequence: missense variant.
Genome position (GRCh38, 1-based): chr1:65,601,855, A>G. VCF-style: chr1-65601855-A-G. GRCh37 (hg19) VCF-style: chr1-66067538-A-G.
Other names: c.1298A>G, p.Asn433Ser (NM_001003679.3, NM_001003680.3, NM_001198687.2 and 2 more transcripts); short protein forms N433S.
Identifiers: ClinVar variation 3001910 (VCV003001910.5), dbSNP rs765998923, ClinGen allele CA894773.